The following is an entry in ClinVar:

NM_001136191.3(KANK2):c.500C>G (p.Pro167Arg)

Gene: KANK2 (KN motif and ankyrin repeat domains 2; minus strand). Cytogenetic location: 19p13.2.
Variant type: single nucleotide variant.
Coding change: c.500C>G on transcript NM_001136191.3 (MANE Select); coding-DNA position 500, C replaced by G.
Protein change: p.Pro167Arg; replaces proline 167 with arginine.
Molecular consequence: missense variant.
Genome position (GRCh38, 1-based): chr19:11,193,580, G>C on the plus strand (C>G on the coding strand, the complement: KANK2 is on the minus strand). VCF-style: chr19-11193580-G-C. GRCh37 (hg19) VCF-style: chr19-11304256-G-C.
Other names: c.500C>G, p.Pro167Arg (NM_001329451.2, NM_001379548.1, NM_001379549.1 and 15 more transcripts); short protein forms P167R.
Identifiers: ClinVar variation 2110119 (VCV002110119.4), dbSNP rs377144489, ClinGen allele CA404089519.

ClinVar aggregate classification (germline): Uncertain significance (1 of 4 stars; one submission).

Submission:

Labcorp Genetics (formerly Invitae), Labcorp
Classification: Uncertain significance. Last evaluated: 2022-03-12. Review status: criteria provided, single submitter. Criteria: Invitae Variant Classification Sherloc (09022015). Collection method: clinical testing. Allele origin: germline.
Comment: In summary, the available evidence is currently insufficient to determine the role of this variant in disease. Therefore, it has been classified as a Variant of Uncertain Significance. Algorithms developed to predict the effect of missense changes on protein structure and function output the following: SIFT: "Tolerated"; PolyPhen-2: "Possibly Damaging"; Align-GVGD: "Class C0". The arginine amino acid residue is found in multiple mammalian species, which suggests that this missense change does not adversely affect protein function. This variant has not been reported in the literature in individuals affected with KANK2-related conditions. This variant is not present in population databases (gnomAD no frequency). This sequence change replaces proline, which is neutral and non-polar, with arginine, which is basic and polar, at codon 167 of the KANK2 protein (p.Pro167Arg).